The following is an entry in ClinVar:

ClinVar aggregate classification (germline): Uncertain significance. Review status: criteria provided, multiple submitters, no conflicts (2 of 4 stars). 3 submissions from 3 submitters: Uncertain significance (3). Last evaluated 2026-08-19.

Conditions:
Hereditary cancer-predisposing syndrome. Also called: Neoplastic Syndromes, Hereditary; Hereditary Cancer Syndrome; Tumor predisposition; Hereditary neoplastic syndrome. Identifiers: Orphanet 140162, MedGen C0027672, MeSH D009386, MONDO:0015356.
Gorlin syndrome. Also called: Nevoid Basal Cell Carcinoma Syndrome; Basal cell nevus syndrome. Identifiers: Orphanet 377, MedGen C0004779, MONDO:0007187.

Allele frequency attached by ClinVar (database versions not stated): gnomAD exomes below 0.00001.
gnomAD v4.1: 1 of 1,614,064 alleles (0.000062%); highest among the groups gnomAD compares: East Asian, 0.0022%; no homozygotes.

Submissions (3):

Ambry Genetics
Classification: Uncertain significance for Hereditary cancer-predisposing syndrome. Last evaluated: 2026-08-19. Review status: criteria provided, single submitter. Criteria: Ambry Variant Classification Scheme 2023. Collection method: clinical testing. Allele origin: germline.
Comment: The p.P747Q variant (also known as c.2240C>A), located in coding exon 14 of the PTCH1 gene, results from a C to A substitution at nucleotide position 2240. The proline at codon 747 is replaced by glutamine, an amino acid with similar properties. This amino acid position is conserved. In addition, this alteration is predicted to be deleterious by in silico analysis. Based on the available evidence, the clinical significance of this variant remains unclear.

Labcorp Genetics (formerly Invitae), Labcorp
Classification: Uncertain significance for Gorlin syndrome. Last evaluated: 2025-11-10. Review status: criteria provided, single submitter. Criteria: Invitae Variant Classification Sherloc (09022015). Collection method: clinical testing. Allele origin: germline.
Comment: This sequence change replaces proline, which is neutral and non-polar, with glutamine, which is neutral and polar, at codon 747 of the PTCH1 protein (p.Pro747Gln). This variant is not present in population databases (gnomAD no frequency). This variant has not been reported in the literature in individuals affected with PTCH1-related conditions. ClinVar contains an entry for this variant (Variation ID: 952796). Invitae Evidence Modeling of protein sequence and biophysical properties (such as structural, functional, and spatial information, amino acid conservation, physicochemical variation, residue mobility, and thermodynamic stability) indicates that this missense variant is not expected to disrupt PTCH1 protein function with a negative predictive value of 95%. In summary, the available evidence is currently insufficient to determine the role of this variant in disease. Therefore, it has been classified as a Variant of Uncertain Significance.

GeneDx
Classification: Uncertain significance. Last evaluated: 2024-02-09. Review status: criteria provided, single submitter. Criteria: GeneDx Variant Classification Process June 2021. Collection method: clinical testing. Allele origin: germline. Affected: yes.
Comment: Not observed at significant frequency in large population cohorts (gnomAD); In silico analysis supports that this missense variant has a deleterious effect on protein structure/function; Has not been previously published as pathogenic or benign to our knowledge; This variant is associated with the following publications: (PMID: 11331587)

NM_000264.5(PTCH1):c.2240C>A (p.Pro747Gln)

Genes: PTCH1 (patched 1; minus strand), LOC100507346 (uncharacterized LOC100507346; plus strand). Cytogenetic location: 9q22.32.
Variant type: single nucleotide variant.
Coding change: c.2240C>A on transcript NM_000264.5 (MANE Select); coding-DNA position 2240, C replaced by A.
Protein change: p.Pro747Gln; replaces proline 747 with glutamine.
Molecular consequence: missense variant. On other transcripts: non-coding transcript variant (2).
Genome position (GRCh38, 1-based): chr9:95,468,761, G>T on the plus strand (C>A on the coding strand, the complement: PTCH1 is on the minus strand). VCF-style: chr9-95468761-G-T. GRCh37 (hg19) VCF-style: chr9-98231043-G-T.
Other names: c.2042C>A, p.Pro681Gln (NM_001083602.3); c.2237C>A, p.Pro746Gln (NM_001083603.3); c.1787C>A, p.Pro596Gln (NM_001083604.3, NM_001083605.3, NM_001083606.3 and 1 more transcripts); c.2084C>A, p.Pro695Gln (NM_001354918.2); short protein forms P596Q, P681Q, P746Q, P747Q, P695Q.
Identifiers: ClinVar variation 952796 (VCV000952796.11), dbSNP rs1840269986, ClinGen allele CA374115206.